The following is an entry in ClinVar:

NM_015512.5(DNAH1):c.2926del (p.Ala976fs)

Gene: DNAH1 (dynein axonemal heavy chain 1; plus strand). Cytogenetic location: 3p21.1.
Variant type: Deletion.
Coding change: c.2926del on transcript NM_015512.5 (MANE Select); coding-DNA position 2926, one base deleted (G; older notation c.2926delG).
Protein change: p.Ala976fs; shifts the reading frame from alanine 976.
Molecular consequence: frameshift variant.
Genome position (GRCh38, 1-based): chr3:52,352,606, G deleted. VCF-style (leftmost placement, unchanged base first): chr3-52352605-CG-C. GRCh37 (hg19) VCF-style: chr3-52386621-CG-C.
Other names: short protein forms A976fs.
Identifiers: ClinVar variation 2002471 (VCV002002471.4), dbSNP rs2471187488, ClinGen allele CA2580070220.

ClinVar aggregate classification (germline): Pathogenic (1 of 4 stars; one submission).

Conditions:
Spermatogenic failure 18. Identifiers: MedGen C4539783, MONDO:0054615, OMIM 617576.
Ciliary dyskinesia, primary, 37 (CILD37). Also called: CILIARY DYSKINESIA, PRIMARY, 37, WITH OR WITHOUT SITUS INVERSUS. Identifiers: MedGen C4539798, MONDO:0033204, OMIM 617577.

Allele frequency attached by ClinVar (database versions not stated): gnomAD exomes below 0.00001.

Submission:

Labcorp Genetics (formerly Invitae), Labcorp
Classification: Pathogenic for Ciliary dyskinesia, primary, 37; Spermatogenic failure 18. Last evaluated: 2022-06-05. Review status: criteria provided, single submitter. Criteria: Invitae Variant Classification Sherloc (09022015). Collection method: clinical testing. Allele origin: germline.
Comment: This sequence change creates a premature translational stop signal (p.Ala976Profs*11) in the DNAH1 gene. It is expected to result in an absent or disrupted protein product. Loss-of-function variants in DNAH1 are known to be pathogenic (PMID: 27573432, 27798045). This variant is not present in population databases (gnomAD no frequency). This variant has not been reported in the literature in individuals affected with DNAH1-related conditions. For these reasons, this variant has been classified as Pathogenic.

Literature cited by the submitters: PubMed 27573432; PubMed 27798045.